The following is an entry in ClinVar:

ClinVar aggregate classification (germline): Likely pathogenic (1 of 4 stars; one submission).

Conditions:
Citrullinemia type I (CTNL1). Also called: ASS DEFICIENCY; argininosuccinate synthetase deficiency. Identifiers: Orphanet 247525, MedGen C4721769, MONDO:0008988, OMIM 215700.

Submission:

Myriad Genetics, Inc.
Classification: Likely pathogenic for Citrullinemia type I. Last evaluated: 2022-02-12. Review status: criteria provided, single submitter. Criteria: Myriad Women's Health Autosomal Recessive and X-Linked Classification Criteria (2021). Collection method: clinical testing. Allele origin: unknown.
Comment: NM_000050.4(ASS1):c.493A>T(K165*) is expected to be pathogenic in the context of citrullinemia type 1. This variant is predicted to lead to an abnormal or absent protein product due to the creation of a premature termination codon in ASS1, a gene where loss-of-function variants are known to be pathogenic. Please note: this variant was assessed in the context of healthy population screening.

NM_054012.4(ASS1):c.493A>T (p.Lys165Ter)

Gene: ASS1 (argininosuccinate synthase 1; plus strand). Cytogenetic location: 9q34.11.
Variant type: single nucleotide variant.
Coding change: c.493A>T on transcript NM_054012.4 (MANE Select); coding-DNA position 493, A replaced by T.
Protein change: p.Lys165Ter; replaces lysine 165 with a stop codon.
Molecular consequence: nonsense.
Genome position (GRCh38, 1-based): chr9:130,466,797, A>T. VCF-style: chr9-130466797-A-T. GRCh37 (hg19) VCF-style: chr9-133342184-A-T.
Other names: c.493A>T, p.Lys165Ter (NM_000050.4); short protein forms K165*.
Identifiers: ClinVar variation 1724383 (VCV001724383.2), dbSNP rs2490553577, ClinGen allele CA375226525.